The following is an entry in ClinVar:

NM_022124.6(CDH23):c.478G>A (p.Asp160Asn)

Gene: CDH23 (cadherin related 23; plus strand). Cytogenetic location: 10q22.1.
Variant type: single nucleotide variant.
Coding change: c.478G>A on transcript NM_022124.6 (MANE Select); coding-DNA position 478, G replaced by A.
Protein change: p.Asp160Asn; replaces aspartic acid 160 with asparagine.
Molecular consequence: missense variant.
Genome position (GRCh38, 1-based): chr10:71,566,790, G>A. VCF-style: chr10-71566790-G-A. GRCh37 (hg19) VCF-style: chr10-73326547-G-A.
Other names: NM_022124.6(CDH23):c.478G>A; p.Asp160Asn; c.478G>A, p.Asp160Asn (NM_001171930.2, NM_001171931.2, NM_001171932.2 and 1 more transcripts); short protein forms D160N.
Identifiers: ClinVar variation 375463 (VCV000375463.16), dbSNP rs1057519500, ClinGen allele CA16044278.

ClinVar aggregate classification (germline): Uncertain significance. Review status: reviewed by expert panel (3 of 4 stars). 4 submissions from 4 submitters: Uncertain significance (1). 3 of the submissions do not count toward it. Last evaluated 2022-12-21.

Conditions:
Nonsyndromic genetic hearing loss. Also called: Non-syndromic genetic deafness; Nonsyndromic hearing loss and deafness; Nonsyndromic genetic deafness. Identifiers: Orphanet 87884, MedGen C5680182, MONDO:0019497.
Usher syndrome type 1 (USH1). Also called: RETINITIS PIGMENTOSA AND CONGENITAL DEAFNESS. Identifiers: Orphanet 231169, Orphanet 886, MedGen C1568247, MONDO:0010168, OMIM 276900.
Autosomal recessive nonsyndromic hearing loss 12. Also called: DEAFNESS, AUTOSOMAL RECESSIVE 12. Identifiers: Orphanet 90636, MedGen C1832394, MONDO:0011067, OMIM 601386.

Allele frequency attached by ClinVar (database versions not stated): gnomAD exomes below 0.00001; TOPMed below 0.00001; gnomAD 0.00001.
gnomAD v4.1: 7 of 1,612,638 alleles (0.00043%); highest among the groups gnomAD compares: Non-Finnish European, 0.00042%; no homozygotes.

Submissions (4):

ClinGen Hearing Loss Variant Curation Expert Panel
Classification: Uncertain significance for Nonsyndromic genetic hearing loss. Last evaluated: 2022-12-21. Review status: reviewed by expert panel. Criteria: Clingen Hl Acmg Specifications Cdh23 Coch Gjb2 Kcnq4 Myo6 Myo7a Slc26a4 Tecta Ush2a V2. Collection method: curation. Allele origin: germline. Inheritance: Autosomal recessive inheritance.
Comment: The NM_022124.6:c.478G>A variant in the CDH23 gene is a missense variant predicted to cause substitution of aspartic acid to asparagine at amino acid 160 (p.Asp160Asn). The computational predictor REVEL gives a score of 0.8, evidence that correlates with impact to CDH23 function (PP3). The highest population minor allele frequency in gnomAD v2.1.1 is 0.0008% (1/112644 alleles) in the European (non-Finnish) population, which is lower than the ClinGen Hearing Loss VCEP threshold (<0.007%) for PM2_Supporting. This variant has been identified in one individual homozygous for the variant with Usher syndrome (PMID: 2746042, 0.5 PM3 points, PP4). A third individual with Usher syndrome had a variant of uncertain significance phase unknown (Invitae internal data, SCV001516999.2, 0 PM3 points). It has been reported in additional individuals with hearing loss who either did not have an age of onset noted or did not have a second variant reported (PMID: 35020051, 22899989). In summary, due to limited evidence, this variant is classified as a variant of uncertain significance based on the ACMG/AMP criteria applied, as specified by the ClinGen Hearing Loss Variant Curation Expert Panel: PM2_supporting, PM3, PP3, PP4. (VCEP specifications version 2.0.0; Dec 21, 2022)

Labcorp Genetics (formerly Invitae), Labcorp
Classification: Pathogenic. Last evaluated: 2026-01-12. Review status: criteria provided, single submitter. Criteria: Invitae Variant Classification Sherloc (09022015). Collection method: clinical testing. Allele origin: germline. Not counted in ClinVar's aggregate classification.
Comment: This sequence change replaces aspartic acid, which is acidic and polar, with asparagine, which is neutral and polar, at codon 160 of the CDH23 protein (p.Asp160Asn). This variant is present in population databases (no rsID available, gnomAD 0.0009%). This missense change has been observed in individual(s) with CDH23-related conditions (PMID: 22899989, 27460420, 34599366; internal data). ClinVar contains an entry for this variant (Variation ID: 375463). Invitae Evidence Modeling of protein sequence and biophysical properties (such as structural, functional, and spatial information, amino acid conservation, physicochemical variation, residue mobility, and thermodynamic stability) has been performed for this missense variant. However, the output from this modeling did not meet the statistical confidence thresholds required to predict the impact of this variant on CDH23 protein function. For these reasons, this variant has been classified as Pathogenic.

Center of Genomic medicine, Geneva, University Hospital of Geneva
Classification: Likely pathogenic for Autosomal recessive nonsyndromic hearing loss 12. Last evaluated: 2016-06-08. Review status: criteria provided, single submitter. Criteria: ACMG Guidelines, 2015. Collection method: clinical testing. Allele origin: unknown. Affected: yes. Not counted in ClinVar's aggregate classification.

Natera, Inc.
Classification: Uncertain significance for Usher syndrome type 1. Last evaluated: 2020-10-20. Review status: no assertion criteria provided. Collection method: clinical testing. Allele origin: germline. Not counted in ClinVar's aggregate classification.

Literature cited by the submitters: PubMed 22899989 (cited by Labcorp Genetics (formerly Invitae), Labcorp); PubMed 27460420 (cited by Labcorp Genetics (formerly Invitae), Labcorp); PubMed 34599366 (cited by Labcorp Genetics (formerly Invitae), Labcorp).